The following is an entry in ClinVar:

ClinVar aggregate classification (germline): Uncertain significance. Review status: criteria provided, multiple submitters, no conflicts (2 of 4 stars). 2 submissions from 2 submitters: Uncertain significance (2). Last evaluated 2023-06-21.

Conditions:
Inborn genetic diseases. Identifiers: MedGen C0950123, MeSH D030342.
Hereditary spastic paraplegia 39 (SPG39). Also called: SPASTIC PARAPLEGIA 39, AUTOSOMAL RECESSIVE; Spastic Paraplegia Type 39 (SPG39). Identifiers: Orphanet 139480, MedGen C2677586, MONDO:0012787, OMIM 612020.

gnomAD v4.1: 1 of 1,613,328 alleles (0.000062%); highest among the groups gnomAD compares: African/African-American, 0.0013%; no homozygotes.

Submissions (2):

Ambry Genetics
Classification: Uncertain significance for Inborn genetic diseases. Last evaluated: 2023-06-21. Review status: criteria provided, single submitter. Criteria: Ambry Variant Classification Scheme 2023. Collection method: clinical testing. Allele origin: germline.

Labcorp Genetics (formerly Invitae), Labcorp
Classification: Uncertain significance for Hereditary spastic paraplegia 39. Last evaluated: 2022-09-01. Review status: criteria provided, single submitter. Criteria: Invitae Variant Classification Sherloc (09022015). Collection method: clinical testing. Allele origin: germline.
Comment: In summary, the available evidence is currently insufficient to determine the role of this variant in disease. Therefore, it has been classified as a Variant of Uncertain Significance. Algorithms developed to predict the effect of missense changes on protein structure and function (SIFT, PolyPhen-2, Align-GVGD) all suggest that this variant is likely to be tolerated. ClinVar contains an entry for this variant (Variation ID: 960126). This variant has not been reported in the literature in individuals affected with PNPLA6-related conditions. The frequency data for this variant in the population databases is considered unreliable, as metrics indicate poor data quality at this position in the gnomAD database. This sequence change replaces glycine, which is neutral and non-polar, with arginine, which is basic and polar, at codon 408 of the PNPLA6 protein (p.Gly408Arg).

NM_001166114.2(PNPLA6):c.1339G>A (p.Gly447Arg)

Gene: PNPLA6 (patatin like domain 6, lysophospholipase; plus strand). Cytogenetic location: 19p13.2.
Variant type: single nucleotide variant.
Coding change: c.1339G>A on transcript NM_001166114.2 (MANE Select); coding-DNA position 1339, G replaced by A.
Protein change: p.Gly447Arg; replaces glycine 447 with arginine.
Molecular consequence: missense variant.
Genome position (GRCh38, 1-based): chr19:7,542,647, G>A. VCF-style: chr19-7542647-G-A. GRCh37 (hg19) VCF-style: chr19-7607533-G-A.
Other names: c.1366G>A, p.Gly456Arg (NM_001166111.2); c.1222G>A, p.Gly408Arg (NM_001166112.2, NM_001166113.1, NM_006702.5); short protein forms G408R, G456R, G447R.
Identifiers: ClinVar variation 960126 (VCV000960126.11), dbSNP rs373883256, ClinGen allele CA304866578.
Genomic context (GRCh38, chr19:7,542,647, plus strand): 5'-TTCGACATGGCCTATGAGCGTGGCCGGATCTCCGTGTCCCTGCAGGAAGAGGCCTCCGGG[G>A]GGTCCCTGGCAGCCCCCGCTCGGGTAAGGCTTGGGACCCTGCCCGGTGGTGGAGCCCGCA-3'
Protein context (NP_001159586.1, residues 437-457): SVSLQEEASG[Gly447Arg]SLAAPARTPT